The following is an entry in ClinVar:

ClinVar aggregate classification (germline): Likely benign (1 of 4 stars; one submission).

Allele frequency attached by ClinVar (database versions not stated): 1000 Genomes Project 0.00160; 1000 Genomes Project 30x 0.00187; TOPMed 0.00473; ESP Exome Variant Server 0.00505; gnomAD 0.00551; gnomAD exomes 0.00638; ExAC 0.00688.
gnomAD v4.1: 10,079 of 1,612,918 alleles (0.62%); highest among the groups gnomAD compares: Non-Finnish European, 0.75%; 43 homozygotes.

Submission:

CeGaT Center for Human Genetics Tuebingen
Classification: Likely benign. Last evaluated: 2023-10-01. Review status: criteria provided, single submitter. Criteria: CeGaT Center For Human Genetics Tuebingen Variant Classification Criteria Version 2. Collection method: clinical testing. Allele origin: germline. Affected: yes. Observed: 2 variant alleles.
Comment: MFSD12: BP4, BP7, BS2

NM_174983.5(MFSD12):c.366G>A (p.Thr122=)

Gene: MFSD12 (major facilitator superfamily domain containing 12; minus strand). Cytogenetic location: 19p13.3.
Variant type: single nucleotide variant.
Coding change: c.366G>A on transcript NM_174983.5 (MANE Select); coding-DNA position 366, G replaced by A.
Protein change: p.Thr122=; no amino-acid change (threonine 122 retained).
Molecular consequence: synonymous variant.
Genome position (GRCh38, 1-based): chr19:3,551,127, C>T on the plus strand (G>A on the coding strand, the complement: MFSD12 is on the minus strand). VCF-style: chr19-3551127-C-T. GRCh37 (hg19) VCF-style: chr19-3551125-C-T.
Other names: c.339G>A, p.Thr113= (NM_001287529.2).
Identifiers: ClinVar variation 2648994 (VCV002648994.24), dbSNP rs61733854, ClinGen allele CA9079726.